The following is an entry in ClinVar:

ClinVar aggregate classification (germline): Uncertain significance (1 of 4 stars; one submission).

Conditions:
Early Myoclonic Encephalopathy. Identifiers: MedGen C0270855.

Allele frequency attached by ClinVar (database versions not stated): gnomAD 0.00001 and 0.00002; 1000 Genomes Project 0.00020; gnomAD exomes below 0.00001; TOPMed below 0.00001; ExAC 0.00001; 1000 Genomes Project 30x 0.00016.
gnomAD v4.1: 5 of 1,613,806 alleles (0.00031%); highest among the groups gnomAD compares: East Asian, 0.0045%; no homozygotes.

Submission:

Labcorp Genetics (formerly Invitae), Labcorp
Classification: Uncertain significance for Early Myoclonic Encephalopathy. Last evaluated: 2019-10-02. Review status: criteria provided, single submitter. Criteria: Invitae Variant Classification Sherloc (09022015). Collection method: clinical testing. Allele origin: germline.
Comment: In summary, the available evidence is currently insufficient to determine the role of this variant in disease. Therefore, it has been classified as a Variant of Uncertain Significance. Algorithms developed to predict the effect of missense changes on protein structure and function (SIFT, PolyPhen-2, Align-GVGD) all suggest that this variant is likely to be disruptive, but these predictions have not been confirmed by published functional studies and their clinical significance is uncertain. This variant has not been reported in the literature in individuals with JMJD1C-related conditions. This variant is present in population databases (rs199608318, ExAC 0.01%). This sequence change replaces valine with leucine at codon 2308 of the JMJD1C protein (p.Val2308Leu). The valine residue is highly conserved and there is a small physicochemical difference between valine and leucine.

NM_032776.3(JMJD1C):c.6922G>C (p.Val2308Leu)

Gene: JMJD1C (jumonji domain containing 1C; minus strand). Cytogenetic location: 10q21.3.
Variant type: single nucleotide variant.
Coding change: c.6922G>C on transcript NM_032776.3 (MANE Select); coding-DNA position 6922, G replaced by C.
Protein change: p.Val2308Leu; replaces valine 2308 with leucine.
Molecular consequence: missense variant. On other transcripts: non-coding transcript variant (1).
Genome position (GRCh38, 1-based): chr10:63,184,647, C>G on the plus strand (G>C on the coding strand, the complement: JMJD1C is on the minus strand). VCF-style: chr10-63184647-C-G. GRCh37 (hg19) VCF-style: chr10-64944407-C-G.
Other names: c.6376G>C, p.Val2126Leu (NM_001282948.2, NM_001318154.2); c.6058G>C, p.Val2020Leu (NM_001318153.2); c.6808G>C, p.Val2270Leu (NM_001322252.2); c.6265G>C, p.Val2089Leu (NM_001322254.2, NM_001322258.2); short protein forms V2126L, V2308L, V2270L, V2020L, V2089L.
Identifiers: ClinVar variation 940924 (VCV000940924.10), dbSNP rs199608318, ClinGen allele CA5517762.
Genomic context (GRCh38, chr10:63,184,647, plus strand): 5'-GAAATGTGAATATATACCTACCATAGGCACTGCACAACCTGGGTCCTAGATCAGGACGTA[C>G]AAAAAATCCTGGCAAATGAGAGGCCAAATTGAATTTTCCTTCTGGATTACAATATTCTGG-3'
Protein context (NP_116165.1, residues 2298-2318): NLASHLPGFF[Val2308Leu]RPDLGPRLCS